The following is an entry in ClinVar:

ClinVar aggregate classification (germline): Uncertain significance (1 of 4 stars; one submission).

Allele frequency attached by ClinVar (database versions not stated): ExAC 0.00001; gnomAD exomes 0.00001; gnomAD 0.00004; TOPMed 0.00004.

Submission:

Labcorp Genetics (formerly Invitae), Labcorp
Classification: Uncertain significance. Last evaluated: 2023-06-19. Review status: criteria provided, single submitter. Criteria: Invitae Variant Classification Sherloc (09022015). Collection method: clinical testing. Allele origin: germline.
Comment: This sequence change replaces arginine, which is basic and polar, with tryptophan, which is neutral and slightly polar, at codon 248 of the CXCR2 protein (p.Arg248Trp). This variant is present in population databases (rs761141296, gnomAD 0.003%). This variant has not been reported in the literature in individuals affected with CXCR2-related conditions. ClinVar contains an entry for this variant (Variation ID: 1509631). An algorithm developed to predict the effect of missense changes on protein structure and function (PolyPhen-2) suggests that this variant¬†is likely to be tolerated. In summary, the available evidence is currently insufficient to determine the role of this variant in disease. Therefore, it has been classified as a Variant of Uncertain Significance.

NM_001557.4(CXCR2):c.742C>T (p.Arg248Trp)

Gene: CXCR2 (C-X-C motif chemokine receptor 2; plus strand). Cytogenetic location: 2q35.
Variant type: single nucleotide variant.
Coding change: c.742C>T on transcript NM_001557.4 (MANE Select); coding-DNA position 742, C replaced by T.
Protein change: p.Arg248Trp; replaces arginine 248 with tryptophan.
Molecular consequence: missense variant.
Genome position (GRCh38, 1-based): chr2:218,135,543, C>T. VCF-style: chr2-218135543-C-T. GRCh37 (hg19) VCF-style: chr2-219000266-C-T.
Other names: c.742C>T, p.Arg248Trp (NM_001168298.2); short protein forms R248W.
Identifiers: ClinVar variation 1509631 (VCV001509631.7), dbSNP rs761141296, ClinGen allele CA2101771.
Genomic context (GRCh38, chr2:218,135,543, plus strand): 5'-CTGTTCTGCTACGGATTCACCCTGCGTACGCTGTTTAAGGCCCACATGGGGCAGAAGCAC[C>T]GGGCCATGCGGGTCATCTTTGCTGTCGTCCTCATCTTCCTGCTCTGCTGGCTGCCCTACA-3'
Protein context (NP_001548.1, residues 238-258): LFKAHMGQKH[Arg248Trp]AMRVIFAVVL